The following is an entry in ClinVar:

ClinVar aggregate classification (germline): Uncertain significance (1 of 4 stars; one submission).

Conditions:
Aicardi-Goutieres syndrome 2. Identifiers: Orphanet 51, MedGen C3489724, MONDO:0012429, OMIM 610181.

Allele frequency attached by ClinVar (database versions not stated): gnomAD exomes 0.00001.
gnomAD v4.1: 4 of 1,607,658 alleles (0.00025%); highest among the groups gnomAD compares: Non-Finnish European, 0.00034%; no homozygotes.

Submission:

Labcorp Genetics (formerly Invitae), Labcorp
Classification: Uncertain significance for Aicardi-Goutieres syndrome 2. Last evaluated: 2022-05-08. Review status: criteria provided, single submitter. Criteria: Invitae Variant Classification Sherloc (09022015). Collection method: clinical testing. Allele origin: germline.
Comment: In summary, the available evidence is currently insufficient to determine the role of this variant in disease. Therefore, it has been classified as a Variant of Uncertain Significance. Algorithms developed to predict the effect of missense changes on protein structure and function are either unavailable or do not agree on the potential impact of this missense change (SIFT: "Deleterious"; PolyPhen-2: "Benign"; Align-GVGD: "Class C25"). This variant has not been reported in the literature in individuals affected with RNASEH2B-related conditions. This variant is not present in population databases (gnomAD no frequency). This sequence change replaces valine, which is neutral and non-polar, with alanine, which is neutral and non-polar, at codon 256 of the RNASEH2B protein (p.Val256Ala).

NM_024570.4(RNASEH2B):c.767T>C (p.Val256Ala)

Gene: RNASEH2B (ribonuclease H2 subunit B; plus strand). Cytogenetic location: 13q14.3.
Variant type: single nucleotide variant.
Coding change: c.767T>C on transcript NM_024570.4 (MANE Select); coding-DNA position 767, T replaced by C.
Protein change: p.Val256Ala; replaces valine 256 with alanine.
Molecular consequence: missense variant. On other transcripts: intron variant (1).
Genome position (GRCh38, 1-based): chr13:50,953,930, T>C. VCF-style: chr13-50953930-T-C. GRCh37 (hg19) VCF-style: chr13-51528066-T-C.
Other names: c.741+4425T>C (NM_001142279.2); short protein forms V256A.
Identifiers: ClinVar variation 2161438 (VCV002161438.4), dbSNP rs2541543880, ClinGen allele CA388260119.